The following is an entry in ClinVar:

NM_004304.5(ALK):c.3959G>A (p.Trp1320Ter)

Gene: ALK (ALK receptor tyrosine kinase; minus strand). Cytogenetic location: 2p23.2.
Variant type: single nucleotide variant.
Coding change: c.3959G>A on transcript NM_004304.5 (MANE Select); coding-DNA position 3959, G replaced by A.
Protein change: p.Trp1320Ter; replaces tryptophan 1320 with a stop codon.
Molecular consequence: nonsense.
Genome position (GRCh38, 1-based): chr2:29,197,656, C>T on the plus strand (G>A on the coding strand, the complement: ALK is on the minus strand). VCF-style: chr2-29197656-C-T. GRCh37 (hg19) VCF-style: chr2-29420522-C-T.
Other names: c.755G>A, p.Trp252Ter (NM_001353765.2); short protein forms W1320*, W252*.
Identifiers: ClinVar variation 1344812 (VCV001344812.4), dbSNP rs2148143597, ClinGen allele CA346466433.
Genomic context (GRCh38, chr2:29,197,656, plus strand): 5'-TCCAGAACTTCCTGGTTGCTTTTGCTGGGGTATGGCATATATCCAAGAGAAAAGATTTCC[C>T]ATAGCAGCACTCCAAAGGACCTGGGCATGGGACAGAGGACATGGAGATGGATATAGACAC-3'

ClinVar aggregate classification (germline): Uncertain significance. Review status: criteria provided, single submitter (1 of 4 stars). 2 submissions from 2 submitters: Uncertain significance (1). 1 of the submissions does not count toward it. Last evaluated 2025-10-07.

Conditions:
Pseudo-fractures. Identifiers: MedGen C4021028, HP:0100036.
Neuroblastoma, susceptibility to, 3. Also called: ALK-Related Neuroblastic Tumor Susceptibility. Identifiers: Orphanet 635, MedGen C2751681, MONDO:0013083, OMIM 613014.

Submissions (2):

Labcorp Genetics (formerly Invitae), Labcorp
Classification: Uncertain significance for Neuroblastoma, susceptibility to, 3. Last evaluated: 2025-10-07. Review status: criteria provided, single submitter. Criteria: Invitae Variant Classification Sherloc (09022015). Collection method: clinical testing. Allele origin: germline.
Comment: This sequence change creates a premature translational stop signal (p.Trp1320*) in the ALK gene. It is expected to result in an absent or disrupted protein product. However, the current clinical and genetic evidence is not sufficient to establish whether loss-of-function variants in ALK cause disease. This variant is not present in population databases (gnomAD no frequency). This variant has not been reported in the literature in individuals affected with ALK-related conditions. ClinVar contains an entry for this variant (Variation ID: 1344812). Algorithms developed to predict the effect of sequence changes on RNA splicing suggest that this variant may disrupt the consensus splice site. In summary, the available evidence is currently insufficient to determine the role of this variant in disease. Therefore, it has been classified as a Variant of Uncertain Significance.

Yale Center for Mendelian Genomics, Yale University
Classification: Uncertain significance for Pseudo-fractures. Last evaluated: 2020-09-28. Review status: no assertion criteria provided. Collection method: literature only. Allele origin: de novo. Affected: yes. Observed: 1 heterozygote. Study: Yale Center for Mendelian Genomics. Not counted in ClinVar's aggregate classification.

Literature cited by the submitters: PubMed 32989326 (cited by Yale Center for Mendelian Genomics, Yale University).